The following is an entry in ClinVar:

NM_024685.4(BBS10):c.1183C>G (p.His395Asp)

Gene: BBS10 (Bardet-Biedl syndrome 10; minus strand). Cytogenetic location: 12q21.2.
Variant type: single nucleotide variant.
Coding change: c.1183C>G on transcript NM_024685.4 (MANE Select); coding-DNA position 1183, C replaced by G.
Protein change: p.His395Asp; replaces histidine 395 with aspartic acid.
Molecular consequence: missense variant.
Genome position (GRCh38, 1-based): chr12:76,346,802, G>C on the plus strand (C>G on the coding strand, the complement: BBS10 is on the minus strand). VCF-style: chr12-76346802-G-C. GRCh37 (hg19) VCF-style: chr12-76740582-G-C.
Other names: short protein forms H395D.
Identifiers: ClinVar variation 3342287 (VCV003342287.2).
Genomic context (GRCh38, chr12:76,346,802, plus strand): 5'-GTAAAGCATCCTCATGTTGTTCAATGAGACCATGCACTGGTCCACAAAGAACTATAGAGT[G>C]TGGTATAAATGCACATGTGCTTATCAAGCCTAGATGAACATATCTTTTGGATCTAAGGAT-3'
Protein context (NP_078961.3, residues 385-405): GLISTCAFIP[His395Asp]SIVLCGPVHG

ClinVar aggregate classification (germline): Uncertain significance. Review status: criteria provided, multiple submitters, no conflicts (2 of 4 stars). 2 submissions from 2 submitters: Uncertain significance (2). Last evaluated 2024-09-06.

Conditions:
Bardet-Biedl syndrome 10 (BBS10). Identifiers: Orphanet 110, MedGen C1859568, MONDO:0014438, OMIM 615987.

Submissions (2):

MVZ Medizinische Genetik Mainz
Classification: Uncertain significance for Bardet-Biedl syndrome 10. Last evaluated: 2024-09-06. Review status: criteria provided, single submitter. Criteria: UK Practice Guidelines For Variant Classification V4 01 2020. Collection method: clinical testing. Allele origin: germline. Inheritance: Autosomal recessive inheritance. Affected: yes. Observed: 1 variant allele.
Comment: ACMG Criteria: PM2_SUP,PM5_SUP,PP3,PP4

Fulgent Genetics
Classification: Uncertain significance for Bardet-Biedl syndrome 10. Last evaluated: 2024-06-13. Review status: criteria provided, single submitter. Criteria: ACMG Guidelines, 2015. Collection method: clinical testing. Allele origin: germline.